The following is an entry in ClinVar:

NM_030962.4(SBF2):c.4315C>T (p.Gln1439Ter)

Genes: SBF2 (SET binding factor 2; minus strand), SBF2-AS1 (SBF2 antisense RNA 1; plus strand). Cytogenetic location: 11p15.4.
Variant type: single nucleotide variant.
Coding change: c.4315C>T on transcript NM_030962.4 (MANE Select); coding-DNA position 4315, C replaced by T.
Protein change: p.Gln1439Ter; replaces glutamine 1439 with a stop codon.
Molecular consequence: nonsense. On other transcripts: non-coding transcript variant (1).
Genome position (GRCh38, 1-based): chr11:9,808,128, G>A on the plus strand (C>T on the coding strand, the complement: SBF2 is on the minus strand). VCF-style: chr11-9808128-G-A. GRCh37 (hg19) VCF-style: chr11-9829675-G-A.
Other names: c.4411C>T, p.Gln1471Ter (NM_001386339.1); c.4186C>T, p.Gln1396Ter (NM_001386342.1); short protein forms Q1439*, Q1396*, Q1471*.
Identifiers: ClinVar variation 245894 (VCV000245894.2), dbSNP rs879253988, ClinGen allele CA10584394.

ClinVar aggregate classification (germline): Pathogenic (1 of 4 stars; one submission).

Submission:

GeneDx
Classification: Pathogenic. Last evaluated: 2015-08-15. Review status: criteria provided, single submitter. Criteria: GeneDx Variant Classification (06012015). Collection method: clinical testing. Allele origin: germline. Affected: yes.
Comment: The Q1439X variant in the SBF2 gene has not been reported previously as a disease-causing mutation or as a benign polymorphism, to our knowledge. This variant is predicted to cause loss of normal protein function either through protein truncation or nonsense-mediated mRNA decay. The Q1439X variant was not observed in approximately 6,500 individuals of European and African American ancestry in the NHLBI Exome Sequencing Project, indicating it is not a common benign variant in these populations. Protein truncating variants downstream of this variant (Y1594X) have been reported in the Human Gene Mutation Database in association with SBF2-related disorders (Stenson et al., 2014). We interpret Q1439X as a disease-causing variant